The following is an entry in ClinVar:

NM_020529.3(NFKBIA):c.151G>C (p.Glu51Gln)

Gene: NFKBIA (NFKB inhibitor alpha; minus strand). Cytogenetic location: 14q13.2.
Variant type: single nucleotide variant.
Coding change: c.151G>C on transcript NM_020529.3 (MANE Select); coding-DNA position 151, G replaced by C.
Protein change: p.Glu51Gln; replaces glutamic acid 51 with glutamine.
Molecular consequence: missense variant.
Genome position (GRCh38, 1-based): chr14:35,404,494, C>G on the plus strand (G>C on the coding strand, the complement: NFKBIA is on the minus strand). VCF-style: chr14-35404494-C-G. GRCh37 (hg19) VCF-style: chr14-35873700-C-G.
Other names: short protein forms E51Q.
Identifiers: ClinVar variation 4711079 (VCV004711079.1).

ClinVar aggregate classification (germline): Uncertain significance (1 of 4 stars; one submission).

Conditions:
Ectodermal dysplasia and immunodeficiency 2. Identifiers: Orphanet 238468, Orphanet 98813, MedGen C2677481, MONDO:0012806, OMIM 612132.

Submission:

Labcorp Genetics (formerly Invitae), Labcorp
Classification: Uncertain significance for Ectodermal dysplasia and immunodeficiency 2. Last evaluated: 2025-06-15. Review status: criteria provided, single submitter. Criteria: Invitae Variant Classification Sherloc (09022015). Collection method: clinical testing. Allele origin: germline.
Comment: This sequence change replaces glutamic acid, which is acidic and polar, with glutamine, which is neutral and polar, at codon 51 of the NFKBIA protein (p.Glu51Gln). This variant is not present in population databases (gnomAD no frequency). This variant has not been reported in the literature in individuals affected with NFKBIA-related conditions. An algorithm developed to predict the effect of missense changes on protein structure and function (PolyPhen-2) suggests that this variant is likely to be tolerated. In summary, the available evidence is currently insufficient to determine the role of this variant in disease. Therefore, it has been classified as a Variant of Uncertain Significance.